The following is an entry in ClinVar:

NM_005228.5(EGFR):c.2582T>G (p.Leu861Arg)

Gene: EGFR (epidermal growth factor receptor; plus strand). Cytogenetic location: 7p11.2.
Variant type: single nucleotide variant.
Coding change: c.2582T>G on transcript NM_005228.5 (MANE Select); coding-DNA position 2582, T replaced by G.
Protein change: p.Leu861Arg; replaces leucine 861 with arginine.
Molecular consequence: missense variant.
Genome position (GRCh38, 1-based): chr7:55,191,831, T>G. VCF-style: chr7-55191831-T-G. GRCh37 (hg19) VCF-style: chr7-55259524-T-G.
Other names: c.2447T>G, p.Leu816Arg (NM_001346897.2, NM_001346899.2); c.2582T>G, p.Leu861Arg (NM_001346898.2); c.2423T>G, p.Leu808Arg (NM_001346900.2); c.1781T>G, p.Leu594Arg (NM_001346941.2); short protein forms L861R, L808R, L594R, L816R.
Identifiers: ClinVar variation 45287 (VCV000045287.5), dbSNP rs121913444, ClinGen allele CA135940.

ClinVar aggregate classification (germline): Uncertain significance (1 of 4 stars; one submission).
ClinVar aggregate classification (oncogenicity): Likely oncogenic (1 of 4 stars; one submission).

Conditions:
Neoplasm. Also called: Neoplasms; Neoplasm (disease); tumor. Identifiers: MedGen C0027651, MeSH D009369, MONDO:0005070, HP:0002664.

Submissions (2):

Center for Genomic Medicine, Rigshospitalet, Copenhagen University Hospital
Classification: Likely oncogenic for Neoplasm. Last evaluated: 2025-12-29. Review status: criteria provided, single submitter. Criteria: ClinGen/CGC/VICC Guidelines for Oncogenicity, 2022. Collection method: clinical testing. Allele origin: somatic. Affected: yes.

Laboratory for Molecular Medicine, Mass General Brigham Personalized Medicine
Classification: Uncertain significance. Last evaluated: 2013-06-17. Review status: criteria provided, single submitter. Criteria: LMM Criteria. Collection method: clinical testing. Allele origin: somatic. Observed: 2 variant alleles.
Comment: The 2582T>G (L861R) variant has been previously identified in a NSCLC tumor and one patient with this variant was reported to have stable disease after treatment with Gefitinib (Yang 2008). However, this single case is not sufficient evidence to predict the likelihood of responsiveness in this individual. Additional information is needed to clarify the clinical significance of this variant.

Literature cited by the submitters: PubMed 24743239 (cited by Center for Genomic Medicine, Rigshospitalet, Copenhagen University Hospital); PubMed 29533785 (cited by Center for Genomic Medicine, Rigshospitalet, Copenhagen University Hospital); PubMed 16931592 (cited by Laboratory for Molecular Medicine, Mass General Brigham Personalized Medicine); PubMed 18509184 (cited by Laboratory for Molecular Medicine, Mass General Brigham Personalized Medicine).